The following is an entry in ClinVar:

NM_001190787.3(MCIDAS):c.135del (p.Lys46fs)

Gene: MCIDAS (multiciliate differentiation and DNA synthesis associated cell cycle protein; minus strand). Cytogenetic location: 5q11.2.
Variant type: Deletion.
Coding change: c.135del on transcript NM_001190787.3 (MANE Select); coding-DNA position 135, one base deleted (G; older notation c.135delG).
Protein change: p.Lys46fs; shifts the reading frame from lysine 46.
Molecular consequence: frameshift variant.
Genome position (GRCh38, 1-based): chr5:55,226,917, C deleted on the plus strand (G on the coding strand, the reverse complement: MCIDAS is on the minus strand); the first of 2 consecutive C bases (chr5:55,226,917-55,226,918); deleting either gives the same sequence. VCF-style (leftmost placement, unchanged base first): chr5-55226916-TC-T. GRCh37 (hg19) VCF-style: chr5-54522744-TC-T.
Other names: short protein forms K46fs.
Identifiers: ClinVar variation 565534 (VCV000565534.7), dbSNP rs1561117442, ClinGen allele CA891842872.

ClinVar aggregate classification (germline): Pathogenic (1 of 4 stars; one submission).

Conditions:
Primary ciliary dyskinesia. Also called: Ciliary dyskinesia. Identifiers: Orphanet 244, MedGen C0008780, MONDO:0016575, HP:0012265.

Submission:

Labcorp Genetics (formerly Invitae), Labcorp
Classification: Pathogenic for Primary ciliary dyskinesia. Last evaluated: 2023-10-11. Review status: criteria provided, single submitter. Criteria: Invitae Variant Classification Sherloc (09022015). Collection method: clinical testing. Allele origin: germline.
Comment: This sequence change creates a premature translational stop signal (p.Lys46Serfs*32) in the MCIDAS gene. It is expected to result in an absent or disrupted protein product. Loss-of-function variants in MCIDAS are known to be pathogenic (PMID: 25048963). This variant is not present in population databases (gnomAD no frequency). This variant has not been reported in the literature in individuals affected with MCIDAS-related conditions. ClinVar contains an entry for this variant (Variation ID: 565534). For these reasons, this variant has been classified as Pathogenic.

Literature cited by the submitters: PubMed 25048963.